The following is an entry in ClinVar:

NM_001165963.4(SCN1A):c.1323_1328del (p.Ala442_Glu443del)

Gene: SCN1A (sodium voltage-gated channel alpha subunit 1; minus strand). Cytogenetic location: 2q24.3.
Variant type: Deletion.
Coding change: c.1323_1328del on transcript NM_001165963.4 (MANE Select); coding-DNA positions 1323 to 1328, 6 bases deleted (GGCCGA; older notation c.1323_1328delGGCCGA).
Protein change: p.Ala442_Glu443del.
Molecular consequence: inframe deletion. On other transcripts: 5 prime UTR variant (1), non-coding transcript variant (1).
Genome position (GRCh38, 1-based): chr2:166,046,819-166,046,824, TCGGCC deleted on the plus strand (GGCCGA on the coding strand, the reverse complement: SCN1A is on the minus strand); deleting any 6 consecutive bases within chr2:166,046,819-166,046,826 gives the same sequence; the c. name uses the placement nearest the transcript's 3' end. VCF-style (leftmost placement, unchanged base first): chr2-166046818-TTCGGCC-T. GRCh37 (hg19) VCF-style: chr2-166903328-TTCGGCC-T.
Other names: c.1323_1328del, p.Ala442_Glu443del (NM_001165964.3, NM_001202435.3, NM_001353948.2 and 10 more transcripts); c.-1103_-1098del (NM_001353961.2).
Identifiers: ClinVar variation 916180 (VCV000916180.46), dbSNP rs1697886499, ClinGen allele CA1139655663.

ClinVar aggregate classification (germline): Uncertain significance. Review status: criteria provided, multiple submitters, no conflicts (2 of 4 stars). 2 submissions from 2 submitters: Uncertain significance (2). Last evaluated 2024-10-10.

Conditions:
Early-infantile DEE. Also called: Early infantile epileptic encephalopathy; Early infantile epileptic encephalopathy with suppression bursts; Ohtahara syndrome. Identifiers: Orphanet 1934, MedGen C0393706, MONDO:0800491.

Submissions (2):

Labcorp Genetics (formerly Invitae), Labcorp
Classification: Uncertain significance for Early-infantile DEE. Last evaluated: 2024-10-10. Review status: criteria provided, single submitter. Criteria: Invitae Variant Classification Sherloc (09022015). Collection method: clinical testing. Allele origin: germline.
Comment: This variant, c.1323_1328del, results in the deletion of 2 amino acid(s) of the SCN1A protein (p.Ala442_Glu443del), but otherwise preserves the integrity of the reading frame. This variant is not present in population databases (gnomAD no frequency). This variant has not been reported in the literature in individuals affected with SCN1A-related conditions. ClinVar contains an entry for this variant (Variation ID: 916180). Experimental studies and prediction algorithms are not available or were not evaluated, and the functional significance of this variant is currently unknown. In summary, the available evidence is currently insufficient to determine the role of this variant in disease. Therefore, it has been classified as a Variant of Uncertain Significance.

CeGaT Center for Human Genetics Tuebingen
Classification: Uncertain significance. Last evaluated: 2020-03-01. Review status: criteria provided, single submitter. Criteria: CeGaT Center For Human Genetics Tuebingen Variant Classification Criteria Version 2. Collection method: clinical testing. Allele origin: germline. Affected: yes. Observed: 2 variant alleles.